The following is an entry in ClinVar:

NM_000038.6(APC):c.2280A>T (p.Leu760=)

Gene: APC (APC regulator of Wnt signaling pathway; plus strand). Cytogenetic location: 5q22.2.
Variant type: single nucleotide variant.
Coding change: c.2280A>T on transcript NM_000038.6 (MANE Select); coding-DNA position 2280, A replaced by T.
Protein change: p.Leu760=; no amino-acid change (leucine 760 retained).
Molecular consequence: synonymous variant. On other transcripts: non-coding transcript variant (2).
Genome position (GRCh38, 1-based): chr5:112,837,874, A>T. VCF-style: chr5-112837874-A-T. GRCh37 (hg19) VCF-style: chr5-112173571-A-T.
Other names: c.2280A>T, p.Leu760= (NM_001127510.3, NM_001354895.2, NM_001407450.1); c.2226A>T, p.Leu742= (NM_001127511.3); c.2334A>T, p.Leu778= (NM_001354896.2, NM_001407447.1, NM_001407448.1 and 1 more transcripts); c.2310A>T, p.Leu770= (NM_001354897.2); c.2205A>T, p.Leu735= (NM_001354898.2); c.2196A>T, p.Leu732= (NM_001354899.2); c.2157A>T, p.Leu719= (NM_001354900.2); c.2103A>T, p.Leu701= (NM_001354901.2, NM_001407453.1); and 11 more.
Identifiers: ClinVar variation 2575455 (VCV002575455.6), dbSNP rs767947015, ClinGen allele CA445963316.
Genomic context (GRCh38, chr5:112,837,874, plus strand): 5'-CAATATTATGTCTCCTGGCTCAAGCTTGCCATCTCTTCATGTTAGGAAACAAAAAGCCCT[A>T]GAAGCAGAATTAGATGCTCAGCACTTATCAGAAACTTTTGACAATATAGACAATTTAAGT-3'
Protein context (NP_000029.2, residues 750-770): PSLHVRKQKA[Leu760=]EAELDAQHLS

ClinVar aggregate classification (germline): Benign/Likely benign. Review status: criteria provided, multiple submitters, no conflicts (2 of 4 stars). 3 submissions from 3 submitters: Benign (1); Likely benign (2). Last evaluated 2025-03-04.

Conditions:
Familial adenomatous polyposis 1 (FAP1). Also called: POLYPOSIS, ADENOMATOUS INTESTINAL; FAMILIAL ADENOMATOUS POLYPOSIS 1, ATTENUATED. Identifiers: MedGen C2713442, MONDO:0021056, OMIM 175100. Disease mechanism: loss of function.

Submissions (3):

Center for Genomic Medicine, Rigshospitalet, Copenhagen University Hospital
Classification: Likely benign. Last evaluated: 2025-03-04. Review status: criteria provided, single submitter. Criteria: ACMG Guidelines, 2015. Collection method: clinical testing. Allele origin: germline.

Myriad Genetics, Inc.
Classification: Benign for Familial adenomatous polyposis 1. Last evaluated: 2024-03-11. Review status: criteria provided, single submitter. Criteria: Myriad Autosomal Dominant, Autosomal Recessive and X-Linked Classification Criteria (2023). Collection method: clinical testing. Allele origin: unknown.
Comment: This variant is considered benign. This variant is a silent/synonymous amino acid change and it is not expected to impact splicing.

Labcorp Genetics (formerly Invitae), Labcorp
Classification: Likely benign for Familial adenomatous polyposis 1. Last evaluated: 2024-01-09. Review status: criteria provided, single submitter. Criteria: Invitae Variant Classification Sherloc (09022015). Collection method: clinical testing. Allele origin: germline.